The following is an entry in ClinVar:

ClinVar aggregate classification (germline): Uncertain significance (1 of 4 stars; one submission).

Submission:

Labcorp Genetics (formerly Invitae), Labcorp
Classification: Uncertain significance. Last evaluated: 2024-01-04. Review status: criteria provided, single submitter. Criteria: Invitae Variant Classification Sherloc (09022015). Collection method: clinical testing. Allele origin: germline.
Comment: This sequence change replaces glycine, which is neutral and non-polar, with aspartic acid, which is acidic and polar, at codon 622 of the COL4A4 protein (p.Gly622Asp). This variant is not present in population databases (gnomAD no frequency). This variant has not been reported in the literature in individuals affected with COL4A4-related conditions. ClinVar contains an entry for this variant (Variation ID: 1953768). Advanced modeling of protein sequence and biophysical properties (such as structural, functional, and spatial information, amino acid conservation, physicochemical variation, residue mobility, and thermodynamic stability) performed at Invitae indicates that this missense variant is expected to disrupt COL4A4 protein function with a positive predictive value of 95%. In summary, the available evidence is currently insufficient to determine the role of this variant in disease. Therefore, it has been classified as a Variant of Uncertain Significance.

NM_000092.5(COL4A4):c.1865G>A (p.Gly622Asp)

Gene: COL4A4 (collagen type IV alpha 4 chain; minus strand). Cytogenetic location: 2q36.3.
Variant type: single nucleotide variant.
Coding change: c.1865G>A on transcript NM_000092.5 (MANE Select); coding-DNA position 1865, G replaced by A.
Protein change: p.Gly622Asp; replaces glycine 622 with aspartic acid.
Molecular consequence: missense variant.
Genome position (GRCh38, 1-based): chr2:227,078,016, C>T on the plus strand (G>A on the coding strand, the complement: COL4A4 is on the minus strand). VCF-style: chr2-227078016-C-T. GRCh37 (hg19) VCF-style: chr2-227942732-C-T.
Other names: short protein forms G622D.
Identifiers: ClinVar variation 1953768 (VCV001953768.5), dbSNP rs2474719055, ClinGen allele CA350845361.